The following is an entry in ClinVar:

ClinVar aggregate classification (germline): Uncertain significance. Review status: criteria provided, multiple submitters, no conflicts (2 of 4 stars). 2 submissions from 2 submitters: Uncertain significance (2). Last evaluated 2025-06-01.

Conditions:
Long QT syndrome (LQTS). Identifiers: MedGen C0023976, MeSH D008133, MONDO:0002442. Disease mechanism: loss of function. Inheritance: Various modes of inheritance.
Cardiovascular phenotype. Identifiers: MedGen CN230736.

Allele frequency attached by ClinVar (database versions not stated): gnomAD 0.00001; gnomAD exomes 0.00001.
gnomAD v4.1: 10 of 1,593,656 alleles (0.00063%); highest among the groups gnomAD compares: East Asian, 0.0023%; no homozygotes.

Submissions (2):

Labcorp Genetics (formerly Invitae), Labcorp
Classification: Uncertain significance for Long QT syndrome. Last evaluated: 2025-06-01. Review status: criteria provided, single submitter. Criteria: Invitae Variant Classification Sherloc (09022015). Collection method: clinical testing. Allele origin: germline.
Comment: This sequence change replaces arginine, which is basic and polar, with histidine, which is basic and polar, at codon 649 of the CACNA1C protein (p.Arg649His). This variant is present in population databases (rs786205777, gnomAD 0.007%). This variant has not been reported in the literature in individuals affected with CACNA1C-related conditions. ClinVar contains an entry for this variant (Variation ID: 1401440). Invitae Evidence Modeling of protein sequence and biophysical properties (such as structural, functional, and spatial information, amino acid conservation, physicochemical variation, residue mobility, and thermodynamic stability) indicates that this missense variant is expected to disrupt CACNA1C protein function with a positive predictive value of 95%. In summary, the available evidence is currently insufficient to determine the role of this variant in disease. Therefore, it has been classified as a Variant of Uncertain Significance.

Ambry Genetics
Classification: Uncertain significance for Cardiovascular phenotype. Last evaluated: 2024-11-14. Review status: criteria provided, single submitter. Criteria: Ambry Variant Classification Scheme 2023. Collection method: clinical testing. Allele origin: germline.
Comment: The p.R649H variant (also known as c.1946G>A), located in coding exon 14 of the CACNA1C gene, results from a G to A substitution at nucleotide position 1946. The arginine at codon 649 is replaced by histidine, an amino acid with highly similar properties. This amino acid position is highly conserved in available vertebrate species. In addition, this alteration is predicted to be deleterious by in silico analysis. Based on the available evidence, the clinical significance of this variant remains unclear.

NM_000719.7(CACNA1C):c.1946G>A (p.Arg649His)

Gene: CACNA1C (calcium voltage-gated channel subunit alpha1 C; plus strand). Cytogenetic location: 12p13.33.
Variant type: single nucleotide variant.
Coding change: c.1946G>A on transcript NM_000719.7 (MANE Select); coding-DNA position 1946, G replaced by A.
Protein change: p.Arg649His; replaces arginine 649 with histidine.
Molecular consequence: missense variant.
Genome position (GRCh38, 1-based): chr12:2,581,640, G>A. VCF-style: chr12-2581640-G-A. GRCh37 (hg19) VCF-style: chr12-2690806-G-A.
Other names: c.1946G>A, p.Arg649His (NM_001129827.2, NM_001129829.2, NM_001129830.3 and 18 more transcripts); c.1937G>A, p.Arg646His (NM_001129844.2); short protein forms R649H, R646H.
Identifiers: ClinVar variation 1401440 (VCV001401440.7), dbSNP rs786205777, ClinGen allele CA301727.
Genomic context (GRCh38, chr12:2,581,640, plus strand): 5'-TGGCTCTCAGGTACTGGAACTCCTTGAGCAACCTGGTGGCATCCTTGCTGAACTCTGTGC[G>A]CTCCATCGCCTCCCTGCTCCTTCTCCTCTTCCTCTTCATCATCATCTTCTCCCTCCTGGG-3'
Protein context (NP_000710.5, residues 639-659): NLVASLLNSV[Arg649His]SIASLLLLLF